The following is an entry in ClinVar:

NM_000075.4(CDK4):c.719G>C (p.Arg240Pro)

Genes: CDK4 (cyclin dependent kinase 4; minus strand), TSPAN31 (tetraspanin 31; plus strand). Cytogenetic location: 12q14.1.
Variant type: single nucleotide variant.
Coding change: c.719G>C on transcript NM_000075.4 (MANE Select); coding-DNA position 719, G replaced by C.
Protein change: p.Arg240Pro; replaces arginine 240 with proline.
Molecular consequence: missense variant. On other transcripts: 3 prime UTR variant (3).
Genome position (GRCh38, 1-based): chr12:57,749,282, C>G on the plus strand (G>C on the coding strand, the complement: CDK4 is on the minus strand). VCF-style: chr12-57749282-C-G. GRCh37 (hg19) VCF-style: chr12-58143065-C-G.
Other names: c.*1992C>G (NM_001330168.2, NM_001330169.2, NM_005981.5); short protein forms R240P.
Identifiers: ClinVar variation 495534 (VCV000495534.16), dbSNP rs531817742, ClinGen allele CA6657699.

ClinVar aggregate classification (germline): Uncertain significance. Review status: criteria provided, multiple submitters, no conflicts (2 of 4 stars). 5 submissions from 5 submitters: Uncertain significance (5). Last evaluated 2024-04-15.

Conditions:
Hereditary cancer-predisposing syndrome. Also called: Tumor predisposition; Neoplastic Syndromes, Hereditary; Hereditary neoplastic syndrome; Hereditary Cancer Syndrome. Identifiers: Orphanet 140162, MedGen C0027672, MeSH D009386, MONDO:0015356.
Familial melanoma. Also called: Hereditary melanoma; Hereditary cutaneous melanoma. Identifiers: Orphanet 618, MedGen C1512419, MONDO:0018961.
Melanoma, cutaneous malignant, susceptibility to, 3. Also called: Cutaneous malignant melanoma 3. Identifiers: Orphanet 618, MedGen C1836892, MONDO:0012183, OMIM 609048.

gnomAD v4.1: 4 of 1,614,198 alleles (0.00025%); highest among the groups gnomAD compares: Middle Eastern, 0.016%; no homozygotes.

Submissions (5):

Labcorp Genetics (formerly Invitae), Labcorp
Classification: Uncertain significance for Familial melanoma. Last evaluated: 2024-04-15. Review status: criteria provided, single submitter. Criteria: Invitae Variant Classification Sherloc (09022015). Collection method: clinical testing. Allele origin: germline.
Comment: This sequence change replaces arginine, which is basic and polar, with proline, which is neutral and non-polar, at codon 240 of the CDK4 protein (p.Arg240Pro). This variant is present in population databases (rs531817742, gnomAD 0.003%). This variant has not been reported in the literature in individuals affected with CDK4-related conditions. ClinVar contains an entry for this variant (Variation ID: 495534). Advanced modeling of protein sequence and biophysical properties (such as structural, functional, and spatial information, amino acid conservation, physicochemical variation, residue mobility, and thermodynamic stability) performed at Invitae indicates that this missense variant is not expected to disrupt CDK4 protein function with a negative predictive value of 95%. In summary, the available evidence is currently insufficient to determine the role of this variant in disease. Therefore, it has been classified as a Variant of Uncertain Significance.

Fulgent Genetics
Classification: Uncertain significance for Melanoma, cutaneous malignant, susceptibility to, 3. Last evaluated: 2024-02-28. Review status: criteria provided, single submitter. Criteria: ACMG Guidelines, 2015. Collection method: clinical testing. Allele origin: germline.

Ambry Genetics
Classification: Uncertain significance for Hereditary cancer-predisposing syndrome. Last evaluated: 2023-11-05. Review status: criteria provided, single submitter. Criteria: Ambry Variant Classification Scheme 2023. Collection method: clinical testing. Allele origin: germline.
Comment: The p.R240P variant (also known as c.719G>C), located in coding exon 6 of the CDK4 gene, results from a G to C substitution at nucleotide position 719. The arginine at codon 240 is replaced by proline, an amino acid with dissimilar properties. This amino acid position is not well conserved in available vertebrate species. In addition, this alteration is predicted to be tolerated by in silico analysis. Since supporting evidence is limited at this time, the clinical significance of this alteration remains unclear.

Institute for Clinical Genetics, University Hospital TU Dresden, University Hospital TU Dresden
Classification: Uncertain significance. Last evaluated: 2021-11-03. Review status: criteria provided, single submitter. Criteria: ACMG Guidelines, 2015. Collection method: clinical testing. Allele origin: germline.

Women's Health and Genetics/Laboratory Corporation of America, LabCorp
Classification: Uncertain significance. Last evaluated: 2021-03-11. Review status: criteria provided, single submitter. Criteria: LabCorp Variant Classification Summary - May 2015. Collection method: clinical testing. Allele origin: germline.
Comment: Variant summary: CDK4 c.719G>C (p.Arg240Pro) results in a non-conservative amino acid change located in the Protein kinase domain of the encoded protein sequence. Three of five in-silico tools predict a benign effect of the variant on protein function. The variant allele was found at a frequency of 8e-06 in 251364 control chromosomes. The available data on variant occurrences in the general population are insufficient to allow any conclusion about variant significance. To our knowledge, no occurrence of c.719G>C in individuals affected with CDK4-related disorders and no experimental evidence demonstrating its impact on protein function have been reported. Two clinical diagnostic laboratories have submitted clinical-significance assessments for this variant to ClinVar after 2014 without evidence for independent evaluation. All laboratories classified the variant as uncertain significance. Based on the evidence outlined above, the variant was classified as uncertain significance.